The following is an entry in ClinVar:

ClinVar aggregate classification (germline): Pathogenic (1 of 4 stars; one submission).

Submission:

Labcorp Genetics (formerly Invitae), Labcorp
Classification: Pathogenic. Last evaluated: 2026-01-21. Review status: criteria provided, single submitter. Criteria: Invitae Variant Classification Sherloc (09022015). Collection method: clinical testing. Allele origin: germline.
Comment: This sequence change creates a premature translational stop signal (p.Glu675Glyfs*12) in the OPA1 gene. It is expected to result in an absent or disrupted protein product. Loss-of-function variants in OPA1 are known to be pathogenic (PMID: 11440988, 20157015, 20952381, 25012220). This variant is not present in population databases (gnomAD no frequency). This variant has not been reported in the literature in individuals affected with OPA1-related conditions. For these reasons, this variant has been classified as Pathogenic.

Literature cited by the submitters: PubMed 11440988; PubMed 20157015; PubMed 20952381; PubMed 25012220.

NM_130837.3(OPA1):c.2187_2188dup (p.Glu730fs)

Gene: OPA1 (OPA1 mitochondrial dynamin like GTPase; plus strand). Cytogenetic location: 3q29.
Variant type: Duplication.
Coding change: c.2187_2188dup on transcript NM_130837.3 (MANE Select); coding-DNA positions 2187 to 2188, 2 bases duplicated (GG; older notation c.2187_2188dupGG).
Protein change: p.Glu730fs; shifts the reading frame from glutamic acid 730.
Molecular consequence: frameshift variant.
Genome position (GRCh38, 1-based): chr3:193,657,088-193,657,089, GG duplicated; duplicating any 2 consecutive bases within chr3:193,657,087-193,657,089 gives the same sequence; the c. name uses the placement nearest the transcript's 3' end. VCF-style (leftmost placement, unchanged base first): chr3-193657086-T-TGG. GRCh37 (hg19) VCF-style: chr3-193374875-T-TGG.
Other names: c.1653_1654dup, p.Glu552fs (NM_001354663.2); c.1650_1651dup, p.Glu551fs (NM_001354664.2); c.2022_2023dup, p.Glu675fs (NM_015560.3); c.1914_1915dup, p.Glu639fs (NM_130831.3); c.1968_1969dup, p.Glu657fs (NM_130832.3); c.2025_2026dup, p.Glu676fs (NM_130833.3); c.2076_2077dup, p.Glu693fs (NM_130834.3); c.2079_2080dup, p.Glu694fs (NM_130835.3); and 1 more; short protein forms E639fs, E712fs, E693fs, E552fs, E676fs, E694fs, E730fs, E551fs.
Identifiers: ClinVar variation 4735939 (VCV004735939.1).